The following is an entry in ClinVar:

ClinVar aggregate classification (germline): Likely benign (1 of 4 stars; one submission).

gnomAD v4.1: 158 of 1,613,598 alleles (0.0098%); highest among the groups gnomAD compares: Admixed American, 0.26%; 1 homozygote.

Submission:

CeGaT Center for Human Genetics Tuebingen
Classification: Likely benign. Last evaluated: 2026-06-01. Review status: criteria provided, single submitter. Criteria: CeGaT Center For Human Genetics Tuebingen Variant Classification Criteria Version 2. Collection method: clinical testing. Allele origin: germline. Affected: yes. Observed: 1 variant allele.
Comment: TLK2: BS2

NM_006852.6(TLK2):c.464C>G (p.Ala155Gly)

Gene: TLK2 (tousled like kinase 2; plus strand). Cytogenetic location: 17q23.2.
Variant type: single nucleotide variant.
Coding change: c.464C>G on transcript NM_006852.6 (MANE Select); coding-DNA position 464, C replaced by G.
Protein change: p.Ala155Gly; replaces alanine 155 with glycine.
Molecular consequence: missense variant.
Genome position (GRCh38, 1-based): chr17:62,536,270, C>G. VCF-style: chr17-62536270-C-G. GRCh37 (hg19) VCF-style: chr17-60613631-C-G.
Other names: c.464C>G, p.Ala155Gly (NM_001284333.3, NM_001375270.1, NM_001375271.1 and 1 more transcripts); c.368C>G, p.Ala123Gly (NM_001284363.1, NM_001375272.1, NM_001411074.1 and 2 more transcripts); c.17C>G, p.Ala6Gly (NM_001330418.3, NM_001375273.1); c.506C>G, p.Ala169Gly (NM_001375269.1); short protein forms A123G, A155G, A169G, A6G.
Identifiers: ClinVar variation 4872926 (VCV004872926.2).
Genomic context (GRCh38, chr17:62,536,270, plus strand): 5'-CTGCAAAGGAGGCAACGGAGGAGCAGTCTGCTCTGCCAACCCTCATGTCAGTGATGCTAG[C>G]AAAACCTCGGCTTGACACAGAGCAGCTGGCGCAAAGGGGAGCTGGCCTCTGCTTCACTTT-3'
Protein context (NP_006843.2, residues 145-165): ALPTLMSVML[Ala155Gly]KPRLDTEQLA